The following is an entry in ClinVar:

NM_006567.5(FARS2):c.755C>G (p.Ala252Gly)

Gene: FARS2 (phenylalanyl-tRNA synthetase 2, mitochondrial; plus strand). Cytogenetic location: 6p25.1.
Variant type: single nucleotide variant.
Coding change: c.755C>G on transcript NM_006567.5 (MANE Select); coding-DNA position 755, C replaced by G.
Protein change: p.Ala252Gly; replaces alanine 252 with glycine.
Molecular consequence: missense variant.
Genome position (GRCh38, 1-based): chr6:5,404,684, C>G. VCF-style: chr6-5404684-C-G. GRCh37 (hg19) VCF-style: chr6-5404917-C-G.
Other names: p.Ala252Gly; c.755C>G, p.Ala252Gly (NM_001318872.2, NM_001374875.1, NM_001374876.1 and 5 more transcripts); c.59C>G, p.Ala20Gly (NM_001375259.1, NM_001375260.1); short protein forms A20G, A252G.
Identifiers: ClinVar variation 1015556 (VCV001015556.8), dbSNP rs1047260982, ClinGen allele CA134315049.

ClinVar aggregate classification (germline): Uncertain significance. Review status: criteria provided, multiple submitters, no conflicts (2 of 4 stars). 2 submissions from 2 submitters: Uncertain significance (2). Last evaluated 2025-07-30.

Conditions:
Combined oxidative phosphorylation defect type 14. Also called: Combined oxidative phosphorylation deficiency 14. Identifiers: Orphanet 319519, MedGen C4755312, MONDO:0013986, OMIM 614946.

Allele frequency attached by ClinVar (database versions not stated): gnomAD exomes below 0.00001 and 0.00001; gnomAD 0.00003; TOPMed 0.00004.

Submissions (2):

Labcorp Genetics (formerly Invitae), Labcorp
Classification: Uncertain significance for Combined oxidative phosphorylation defect type 14. Last evaluated: 2025-07-30. Review status: criteria provided, single submitter. Criteria: Invitae Variant Classification Sherloc (09022015). Collection method: clinical testing. Allele origin: germline.
Comment: This sequence change replaces alanine, which is neutral and non-polar, with glycine, which is neutral and non-polar, at codon 252 of the FARS2 protein (p.Ala252Gly). This variant is present in population databases (no rsID available, gnomAD 0.008%). This variant has not been reported in the literature in individuals affected with FARS2-related conditions. ClinVar contains an entry for this variant (Variation ID: 1015556). Invitae Evidence Modeling of protein sequence and biophysical properties (such as structural, functional, and spatial information, amino acid conservation, physicochemical variation, residue mobility, and thermodynamic stability) indicates that this missense variant is not expected to disrupt FARS2 protein function with a negative predictive value of 95%. In summary, the available evidence is currently insufficient to determine the role of this variant in disease. Therefore, it has been classified as a Variant of Uncertain Significance.

Mayo Clinic Laboratories, Mayo Clinic
Classification: Uncertain significance. Last evaluated: 2025-05-12. Review status: criteria provided, single submitter. Criteria: ACMG Guidelines, 2015. Collection method: clinical testing. Allele origin: germline. Observed: 1 variant allele.
Comment: BP4_moderate